The following is an entry in ClinVar:

ClinVar aggregate classification (germline): Likely benign. Review status: criteria provided, multiple submitters, no conflicts (2 of 4 stars). 3 submissions from 3 submitters: Likely benign (2). 1 of the submissions does not count toward it. Last evaluated 2026-01-01.

Conditions:
ROBO1-related disorder. Also called: ROBO1-related condition.

Allele frequency attached by ClinVar (database versions not stated): ESP Exome Variant Server 0.00008; TOPMed 0.00014; 1000 Genomes Project 30x 0.00016; gnomAD exomes 0.00031 and 0.00055; gnomAD 0.00044 and 0.00048; ExAC 0.00057.
gnomAD v4.1: 513 of 1,613,394 alleles (0.032%); highest among the groups gnomAD compares: Admixed American, 0.038%; 2 homozygotes.

Submissions (3):

CeGaT Center for Human Genetics Tuebingen
Classification: Likely benign. Last evaluated: 2026-01-01. Review status: criteria provided, single submitter. Criteria: CeGaT Center For Human Genetics Tuebingen Variant Classification Criteria Version 2. Collection method: clinical testing. Allele origin: germline. Affected: yes. Observed: 1 variant allele.
Comment: ROBO1: BS2

Labcorp Genetics (formerly Invitae), Labcorp
Classification: Likely benign. Last evaluated: 2025-07-27. Review status: criteria provided, single submitter. Criteria: Invitae Variant Classification Sherloc (09022015). Collection method: clinical testing. Allele origin: germline.

PreventionGenetics, part of Exact Sciences
Classification: Likely benign for ROBO1-related condition. Last evaluated: 2022-10-21. Review status: no assertion criteria provided. Collection method: clinical testing. Allele origin: germline. Not counted in ClinVar's aggregate classification.
Comment: This variant is classified as likely benign based on ACMG/AMP sequence variant interpretation guidelines (Richards et al. 2015 PMID: 25741868, with internal and published modifications).

NM_002941.4(ROBO1):c.3560C>T (p.Pro1187Leu)

Gene: ROBO1 (roundabout guidance receptor 1; minus strand). Cytogenetic location: 3p12.3.
Variant type: single nucleotide variant.
Coding change: c.3560C>T on transcript NM_002941.4 (MANE Select); coding-DNA position 3560, C replaced by T.
Protein change: p.Pro1187Leu; replaces proline 1187 with leucine.
Molecular consequence: missense variant.
Genome position (GRCh38, 1-based): chr3:78,631,227, G>A on the plus strand (C>T on the coding strand, the complement: ROBO1 is on the minus strand). VCF-style: chr3-78631227-G-A. GRCh37 (hg19) VCF-style: chr3-78680377-G-A.
Other names: c.3260C>T, p.Pro1087Leu (NM_001145845.2); c.3425C>T, p.Pro1142Leu (NM_133631.4); short protein forms P1187L, P1142L, P1087L.
Identifiers: ClinVar variation 741220 (VCV000741220.14), dbSNP rs201121251, ClinGen allele CA2498323.